The following is an entry in ClinVar:

NM_001374385.1(ATP8B1):c.2687A>G (p.Asn896Ser)

Genes: ATP8B1-AS1 (ATP8B1 antisense RNA 1; plus strand), ATP8B1 (ATPase phospholipid transporting 8B1; minus strand). Cytogenetic location: 18q21.31.
Variant type: single nucleotide variant.
Coding change: c.2687A>G on transcript NM_001374385.1 (MANE Select); coding-DNA position 2687, A replaced by G.
Protein change: p.Asn896Ser; replaces asparagine 896 with serine.
Molecular consequence: missense variant.
Genome position (GRCh38, 1-based): chr18:57,661,194, T>C on the plus strand (A>G on the coding strand, the complement: ATP8B1 is on the minus strand). VCF-style: chr18-57661194-T-C. GRCh37 (hg19) VCF-style: chr18-55328426-T-C.
Other names: c.2537A>G, p.Asn846Ser (NM_001374386.1); c.2687A>G, p.Asn896Ser (NM_005603.6); short protein forms N846S, N896S.
Identifiers: ClinVar variation 4846264 (VCV004846264.1).
Genomic context (GRCh38, chr18:57,661,194, plus strand): 5'-TAGCACGTTGGGCCTCACTGGCCGTGGGTGCATGACTCACTTTTGATCATGTTCACGTCA[T>C]TGGCCCCATCTCCGATGGCCAGCGTGATGGCTTTCTTGTACCTCTTCACCAGGTCCACCA-3'
Protein context (NP_001361314.1, residues 886-906): AITLAIGDGA[Asn896Ser]DVNMIKTAHI

ClinVar aggregate classification (germline): Uncertain significance (1 of 4 stars; one submission).

Conditions:
Familial intrahepatic cholestasis. Identifiers: Orphanet 284385, MedGen CN296401, MONDO:0017290.

Submission:

Genomenon, Inc
Classification: Uncertain significance for Familial intrahepatic cholestasis. Last evaluated: 2026-04-14. Review status: criteria provided, single submitter. Criteria: Genomenon Sequence Variant Interpretation Standards - Updated. Collection method: curation. Allele origin: germline. Affected: no.
Comment: ATP8B1 p.Asn896Ser (c.2687A>G) is a missense variant that changes the amino acid at residue 896 from Asparagine to Serine. To our knowledge, this variant has not been reported in patients affected with features of ATP8B1-deficiency in the published literature. At least one functional study has demonstrated a substantial alteration in protein function relative to the wild-type (PMID:39219493). It is absent or not present at a significant frequency in gnomAD. In silico models predict that this variant is possibly or probably damaging. In conclusion, we classify ATP8B1 p.Asn896Ser (c.2687A>G) as a variant of uncertain significance.

Literature cited by the submitters: PubMed 39219493.